The following is an entry in ClinVar:

ClinVar aggregate classification (germline): Uncertain significance (1 of 4 stars; one submission).

Conditions:
Wilms tumor 1 (WT1). Also called: Wilms tumor, somatic. Identifiers: Orphanet 654, MedGen CN033288, MONDO:0008679, OMIM 194070.
11p partial monosomy syndrome (WAGR). Also called: WAGR Spectrum Disorder; CHROMOSOME 11p13 DELETION SYNDROME; WAGR syndrome; WAGR Complex. Identifiers: Orphanet 893, MedGen C0206115, MONDO:0008681, OMIM 194072.
Drash syndrome (DDS). Also called: WILMS TUMOR AND PSEUDO- OR TRUE HERMAPHRODITISM; NEPHROPATHY, WILMS TUMOR, AND GENITAL ANOMALIES. Identifiers: Orphanet 220, MedGen C0950121, MONDO:0008682, OMIM 194080.
Frasier syndrome. Identifiers: Orphanet 347, MedGen C0950122, MeSH D052159, MONDO:0007635, OMIM 136680.

Submission:

Labcorp Genetics (formerly Invitae), Labcorp
Classification: Uncertain significance for Wilms tumor 1; Drash syndrome; 11p partial monosomy syndrome; Frasier syndrome. Last evaluated: 2019-11-13. Review status: criteria provided, single submitter. Criteria: Invitae Variant Classification Sherloc (09022015). Collection method: clinical testing. Allele origin: germline.
Comment: This variant is not present in population databases (ExAC no frequency). This sequence change replaces proline with serine at codon 226 of the WT1 protein (p.Pro226Ser). The proline residue is highly conserved and there is a moderate physicochemical difference between proline and serine. This variant has not been reported in the literature in individuals with WT1-related conditions. In summary, the available evidence is currently insufficient to determine the role of this variant in disease. Therefore, it has been classified as a Variant of Uncertain Significance. Algorithms developed to predict the effect of missense changes on protein structure and function are either unavailable or do not agree on the potential impact of this missense change (SIFT: "Tolerated"; PolyPhen-2: "Not Available"; Align-GVGD: "Class CO").

NM_024426.6(WT1):c.690_691delinsTT (p.Pro231Ser)

Gene: WT1 (WT1 transcription factor; minus strand). Cytogenetic location: 11p13.
Variant type: Indel.
Coding change: c.690_691delinsTT on transcript NM_024426.6 (MANE Select); coding-DNA positions 690 to 691, GC replaced by TT.
Protein change: p.Pro231Ser; replaces proline 231 with serine.
Molecular consequence: missense variant. On other transcripts: non-coding transcript variant (1).
Genome position (GRCh38, 1-based): chr11:32,428,590-32,428,591, GC replaced by AA on the plus strand (GC replaced by TT on the coding strand, the reverse complement: WT1 is on the minus strand). VCF-style: chr11-32428590-GC-AA. GRCh37 (hg19) VCF-style: chr11-32450136-GC-AA.
Other names: c.690_691delinsTT, p.Pro231Ser (NM_000378.6, NM_024424.5); c.39_40delGCinsTT, p.Pro14Ser (NM_001198551.2); c.39_40delinsTT, p.Pro14Ser (NM_001198552.2); c.690_691delGCinsTT, p.Pro231Ser (NM_001407044.1, NM_001407045.1, NM_001407046.1 and 2 more transcripts); c.-73_-72delGCinsTT (NM_001407051.1); c.675_676delGCinsTT, p.Pro226Ser (NM_024425.2); short protein forms P14S, P231S, P226S.
Identifiers: ClinVar variation 962779 (VCV000962779.9), dbSNP rs1853148368, ClinGen allele CA1139661879.